The following is an entry in ClinVar:

NM_002609.4(PDGFRB):c.590G>A (p.Arg197Lys)

Gene: PDGFRB (platelet derived growth factor receptor beta; minus strand). Cytogenetic location: 5q32.
Variant type: single nucleotide variant.
Coding change: c.590G>A on transcript NM_002609.4 (MANE Select); coding-DNA position 590, G replaced by A.
Protein change: p.Arg197Lys; replaces arginine 197 with lysine.
Molecular consequence: missense variant.
Genome position (GRCh38, 1-based): chr5:150,134,791, C>T on the plus strand (G>A on the coding strand, the complement: PDGFRB is on the minus strand). VCF-style: chr5-150134791-C-T. GRCh37 (hg19) VCF-style: chr5-149514354-C-T.
Other names: c.398G>A, p.Arg133Lys (NM_001355016.2); c.73G>A, p.Gly25Arg (NM_001355017.2); short protein forms R133K, R197K, G25R.
Identifiers: ClinVar variation 772509 (VCV000772509.13), dbSNP rs116642123, ClinGen allele CA3508276.
Genomic context (GRCh38, chr5:150,134,791, plus strand): 5'-GGCCAGAAAGGGGGCTCACCCTGGAGTCTGTAGACATAGTAGGCATCAGAATCCACCTCC[C>T]TGTCCCCAATGGTGGTTTTGCAGATGTAGCTTCTGTCCTCAAAGATACCAGAAAAGCCAC-3'
Protein context (NP_002600.1, residues 187-207): SYICKTTIGD[Arg197Lys]EVDSDAYYVY

ClinVar aggregate classification (germline): Benign. Review status: criteria provided, multiple submitters, no conflicts (2 of 4 stars). 3 submissions from 3 submitters: Benign (2). 1 of the submissions does not count toward it. Last evaluated 2026-01-15.

Conditions:
PDGFRB-related disorder. Also called: PDGFRB-related condition.
Skeletal overgrowth-craniofacial dysmorphism-hyperelastic skin-white matter lesions syndrome. Also called: SKELETAL OVERGROWTH WITH FACIAL DYSMORPHISM, HYPERELASTIC SKIN, WHITE MATTER LESIONS, AND NEUROLOGIC DETERIORATION; Kosaki overgrowth syndrome. Identifiers: Orphanet 477831, MedGen C4225270, MONDO:0014704, OMIM 616592.
Acroosteolysis-keloid-like lesions-premature aging syndrome. Also called: Premature aging syndrome, Penttinen type; Prematurely aged appearance, delayed bone maturation, acro-osteolysis, and brachydactyly; Progeroid syndrome, Penttinen type. Identifiers: Orphanet 363665, MedGen C1866182, MONDO:0011150, OMIM 601812.
Infantile myofibromatosis (IMF). Also called: Congenital generalized fibromatosis. Identifiers: Orphanet 2591, MedGen C0432284, MONDO:0016824.
Basal ganglia calcification, idiopathic, 4 (PFBC4). Also called: PRIMARY FAMILIAL BRAIN CALCIFICATION 4, AUTOSOMAL DOMINANT; Familial Idiopathic Basal Ganglia Calcification 4. Identifiers: Orphanet 1980, MedGen C3554321, MONDO:0014004, OMIM 615007.

Allele frequency attached by ClinVar (database versions not stated): gnomAD 0.00281 and 0.00302; 1000 Genomes Project 30x 0.00234; gnomAD exomes 0.00030 and 0.00071; ExAC 0.00090; ESP Exome Variant Server 0.00284; TOPMed 0.00347; 1000 Genomes Project 0.00220.
gnomAD v4.1: 897 of 1,614,128 alleles (0.056%); highest among the groups gnomAD compares: African/African-American, 1.1%; 11 homozygotes.

Submissions (3):

Labcorp Genetics (formerly Invitae), Labcorp
Classification: Benign for Basal ganglia calcification, idiopathic, 4; Skeletal overgrowth-craniofacial dysmorphism-hyperelastic skin-white matter lesions syndrome; Infantile myofibromatosis; Acroosteolysis-keloid-like lesions-premature aging syndrome. Last evaluated: 2026-01-15. Review status: criteria provided, single submitter. Criteria: Invitae Variant Classification Sherloc (09022015). Collection method: clinical testing. Allele origin: germline.

GeneDx
Classification: Benign. Last evaluated: 2021-06-07. Review status: criteria provided, single submitter. Criteria: GeneDx Variant Classification Process June 2021. Collection method: clinical testing. Allele origin: germline. Affected: yes.

PreventionGenetics, part of Exact Sciences
Classification: Benign for PDGFRB-related condition. Last evaluated: 2020-03-24. Review status: no assertion criteria provided. Collection method: clinical testing. Allele origin: germline. Not counted in ClinVar's aggregate classification.
Comment: This variant is classified as benign based on ACMG/AMP sequence variant interpretation guidelines (Richards et al. 2015 PMID: 25741868, with internal and published modifications).